The following is an entry in ClinVar:

NM_032444.4(SLX4):c.4651A>T (p.Lys1551Ter)

Gene: SLX4 (SLX4 structure-specific endonuclease subunit; minus strand). Cytogenetic location: 16p13.3.
Variant type: single nucleotide variant.
Coding change: c.4651A>T on transcript NM_032444.4 (MANE Select); coding-DNA position 4651, A replaced by T.
Protein change: p.Lys1551Ter; replaces lysine 1551 with a stop codon.
Molecular consequence: nonsense.
Genome position (GRCh38, 1-based): chr16:3,584,857, T>A on the plus strand (A>T on the coding strand, the complement: SLX4 is on the minus strand). VCF-style: chr16-3584857-T-A. GRCh37 (hg19) VCF-style: chr16-3634858-T-A.
Other names: short protein forms K1551*.
Identifiers: ClinVar variation 4705661 (VCV004705661.1).
Genomic context (GRCh38, chr16:3,584,857, plus strand): 5'-TCTCCATAATGGAATACTGTGGCATCGGCGTTATGGGCACTTTGGGGGGCAAGTTCTTCT[T>A]CCGATTAGCACCTTCTGGGTAAAACAAAAGAAGCACACGTTTTAGCATGAGGGACACGGA-3'

ClinVar aggregate classification (germline): Pathogenic (1 of 4 stars; one submission).

Conditions:
Fanconi anemia (FA). Also called: Fanconi's anemia. Identifiers: Orphanet 84, MedGen C0015625, MeSH D005199, MONDO:0019391.

Submission:

Labcorp Genetics (formerly Invitae), Labcorp
Classification: Pathogenic for Fanconi anemia. Last evaluated: 2025-08-23. Review status: criteria provided, single submitter. Criteria: Invitae Variant Classification Sherloc (09022015). Collection method: clinical testing. Allele origin: germline.
Comment: This sequence change creates a premature translational stop signal (p.Lys1551*) in the SLX4 gene. It is expected to result in an absent or disrupted protein product. Loss-of-function variants in SLX4 are known to be pathogenic (PMID: 21240277). This variant is not present in population databases (gnomAD no frequency). This variant has not been reported in the literature in individuals affected with SLX4-related conditions. For these reasons, this variant has been classified as Pathogenic.

Literature cited by the submitters: PubMed 21240277.